The following is an entry in ClinVar:

ClinVar aggregate classification (germline): Pathogenic (1 of 4 stars; one submission).

Conditions:
Sulfite oxidase deficiency due to molybdenum cofactor deficiency type A. Also called: Molybdenum cofactor deficiency, complementation group A; Molybdenum Cofactor Deficiency A. Identifiers: Orphanet 308386, Orphanet 833, MedGen C1854988, MONDO:0009643, OMIM 252150.

Allele frequency attached by ClinVar (database versions not stated): gnomAD exomes below 0.00001.
gnomAD v4.1: 1 of 1,613,422 alleles (0.000062%); highest among the groups gnomAD compares: Non-Finnish European, 0.000085%; no homozygotes.

Submission:

Labcorp Genetics (formerly Invitae), Labcorp
Classification: Pathogenic for Sulfite oxidase deficiency due to molybdenum cofactor deficiency type A. Last evaluated: 2023-09-08. Review status: criteria provided, single submitter. Criteria: Invitae Variant Classification Sherloc (09022015). Collection method: clinical testing. Allele origin: germline.
Comment: This sequence change creates a premature translational stop signal (p.Trp402*) in the MOCS1 gene. While this is not anticipated to result in nonsense mediated decay, it is expected to disrupt the last 235 amino acid(s) of the MOCS1 protein. This variant is not present in population databases (gnomAD no frequency). This variant has not been reported in the literature in individuals affected with MOCS1-related conditions. This variant disrupts a region of the MOCS1 protein in which other variant(s) (p.Glu503Alafs*103) have been determined to be pathogenic (PMID: 9731530, 9921896). This suggests that this is a clinically significant region of the protein, and that variants that disrupt it are likely to be disease-causing. For these reasons, this variant has been classified as Pathogenic.

Literature cited by the submitters: PubMed 9731530; PubMed 9921896.

NM_001358530.2(MOCS1):c.1206G>A (p.Trp402Ter)

Gene: MOCS1 (molybdenum cofactor synthesis 1; minus strand). Cytogenetic location: 6p21.2.
Variant type: single nucleotide variant.
Coding change: c.1206G>A on transcript NM_001358530.2 (MANE Select); coding-DNA position 1206, G replaced by A.
Protein change: p.Trp402Ter; replaces tryptophan 402 with a stop codon.
Molecular consequence: nonsense. On other transcripts: 3 prime UTR variant (4), non-coding transcript variant (1).
Genome position (GRCh38, 1-based): chr6:39,907,062, C>T on the plus strand (G>A on the coding strand, the complement: MOCS1 is on the minus strand). VCF-style: chr6-39907062-C-T. GRCh37 (hg19) VCF-style: chr6-39874838-C-T.
Other names: c.*63G>A (NM_001075098.4, NM_001358533.2, NM_001358534.2 and 1 more transcripts); c.1158G>A, p.Trp386Ter (NM_001358529.2); c.945G>A, p.Trp315Ter (NM_001358531.2); short protein forms W315*, W386*, W402*.
Identifiers: ClinVar variation 2838136 (VCV002838136.3), dbSNP rs2482260672, ClinGen allele CA364041168.